The following is an entry in ClinVar:

NM_003356.4(UCP3):c.181G>A (p.Val61Met)

Gene: UCP3 (uncoupling protein 3; minus strand). Cytogenetic location: 11q13.4.
Variant type: single nucleotide variant.
Coding change: c.181G>A on transcript NM_003356.4 (MANE Select); coding-DNA position 181, G replaced by A.
Protein change: p.Val61Met; replaces valine 61 with methionine.
Molecular consequence: missense variant.
Genome position (GRCh38, 1-based): chr11:74,006,325, C>T on the plus strand (G>A on the coding strand, the complement: UCP3 is on the minus strand). VCF-style: chr11-74006325-C-T. GRCh37 (hg19) VCF-style: chr11-73717370-C-T.
Other names: c.181G>A, p.Val61Met (NM_022803.3); short protein forms V61M.
Identifiers: ClinVar variation 2634641 (VCV002634641.3), dbSNP rs146858543, ClinGen allele CA6181595.

ClinVar aggregate classification (germline): Uncertain significance. Review status: criteria provided, single submitter (1 of 4 stars). 2 submissions from 2 submitters: Uncertain significance (1). 1 of the submissions does not count toward it. Last evaluated 2024-01-08.

Conditions:
UCP3-related disorder. Also called: UCP3-related condition.

Allele frequency attached by ClinVar (database versions not stated): gnomAD 0.00005; ExAC 0.00007; TOPMed 0.00007; 1000 Genomes Project 30x 0.00016; 1000 Genomes Project 0.00020; ESP Exome Variant Server 0.00023; gnomAD exomes 0.00024.

Submissions (2):

Ambry Genetics
Classification: Uncertain significance. Last evaluated: 2024-01-08. Review status: criteria provided, single submitter. Criteria: Ambry Variant Classification Scheme 2023. Collection method: clinical testing. Allele origin: germline.

PreventionGenetics, part of Exact Sciences
Classification: Uncertain significance for UCP3-related condition. Last evaluated: 2024-03-14. Review status: no assertion criteria provided. Collection method: clinical testing. Allele origin: germline. Not counted in ClinVar's aggregate classification.
Comment: The UCP3 c.181G>A variant is predicted to result in the amino acid substitution p.Val61Met. To our knowledge, this variant has not been reported in the literature. This variant is reported in 0.012% of alleles in individuals of African descent in gnomAD. At this time, the clinical significance of this variant is uncertain due to the absence of conclusive functional and genetic evidence.